The following is an entry in ClinVar:

ClinVar aggregate classification (germline): Uncertain significance (1 of 4 stars; one submission).

gnomAD v4.1: 2 of 1,612,466 alleles (0.00012%); highest among the groups gnomAD compares: African/African-American, 0.0027%; no homozygotes.

Submission:

Labcorp Genetics (formerly Invitae), Labcorp
Classification: Uncertain significance. Last evaluated: 2024-05-22. Review status: criteria provided, single submitter. Criteria: Invitae Variant Classification Sherloc (09022015). Collection method: clinical testing. Allele origin: germline.
Comment: This sequence change falls in intron 10 of the KIF22 gene. It does not directly change the encoded amino acid sequence of the KIF22 protein. It affects a nucleotide within the consensus splice site. This variant is present in population databases (no rsID available, gnomAD 0.01%). This variant has not been reported in the literature in individuals affected with KIF22-related conditions. Variants that disrupt the consensus splice site are a relatively common cause of aberrant splicing (PMID: 17576681, 9536098). Algorithms developed to predict the effect of sequence changes on RNA splicing suggest that this variant may disrupt the consensus splice site. In summary, the available evidence is currently insufficient to determine the role of this variant in disease. Therefore, it has been classified as a Variant of Uncertain Significance.

Literature cited by the submitters: PubMed 17576681; PubMed 9536098.

NM_007317.3(KIF22):c.1610-3C>G

Gene: KIF22 (kinesin family member 22; plus strand). Cytogenetic location: 16p11.2.
Variant type: single nucleotide variant.
Coding change: c.1610-3C>G on transcript NM_007317.3 (MANE Select); 3 bases into the intron before coding-DNA position 1610, C replaced by G.
Molecular consequence: intron variant.
Genome position (GRCh38, 1-based): chr16:29,803,995, C>G. VCF-style: chr16-29803995-C-G. GRCh37 (hg19) VCF-style: chr16-29815316-C-G.
Other names: c.1406-3C>G (NM_001256269.2, NM_001256270.1).
Identifiers: ClinVar variation 3694208 (VCV003694208.2).